The following is an entry in ClinVar:

ClinVar aggregate classification (germline): Conflicting classifications of pathogenicity. Review status: criteria provided, conflicting classifications (1 of 4 stars). 11 submissions from 11 submitters: Uncertain significance (6); Likely benign (4). 1 of the submissions does not count toward it. Last evaluated 2025-12-21.

Conditions:
BRCA2-related cancer predisposition. Identifiers: MedGen CN377758, MONDO:0700269.
Hereditary cancer-predisposing syndrome. Also called: Tumor predisposition; Neoplastic Syndromes, Hereditary; Hereditary neoplastic syndrome; Hereditary Cancer Syndrome. Identifiers: Orphanet 140162, MedGen C0027672, MeSH D009386, MONDO:0015356.
Hereditary breast ovarian cancer syndrome. Also called: Hereditary breast and ovarian cancer; Hereditary breast and ovarian cancer syndrome (HBOC); Hereditary breast and/or ovarian cancer syndrome; Breast and ovarian cancer; Hereditary breast and ovarian cancer syndrome; BRCA1- and BRCA2-Associated Hereditary Breast and Ovarian Cancer. Identifiers: Orphanet 145, MedGen C0677776, MeSH D061325, MONDO:0003582. Disease mechanism: loss of function.
Breast-ovarian cancer, familial, susceptibility to, 2 (BROVCA2). Also called: BRCA2 Hereditary Breast and Ovarian Cancer. Identifiers: Orphanet 145, MedGen C2675520, MONDO:0012933, OMIM 612555. Disease mechanism: loss of function.

Allele frequency attached by ClinVar (database versions not stated): gnomAD 0.00001; gnomAD exomes 0.00001 and 0.00003; TOPMed 0.00002.
gnomAD v4.1: 39 of 1,605,516 alleles (0.0024%); highest among the groups gnomAD compares: Non-Finnish European, 0.0031%; no homozygotes.

Submissions (11):

Labcorp Genetics (formerly Invitae), Labcorp
Classification: Likely benign for Hereditary breast ovarian cancer syndrome. Last evaluated: 2025-12-21. Review status: criteria provided, single submitter. Criteria: Invitae Variant Classification Sherloc (09022015). Collection method: clinical testing. Allele origin: germline.

GeneDx
Classification: Uncertain significance. Last evaluated: 2025-07-01. Review status: criteria provided, single submitter. Criteria: GeneDx Variant Classification Process June 2021. Collection method: clinical testing. Allele origin: germline. Affected: yes.
Comment: Observed in individuals with a personal and/or family history of breast and/or ovarian cancer, but also in unaffected controls (PMID: 27376475, 31409081, 33471991); Not observed at significant frequency in large population cohorts (gnomAD); In silico analysis suggests that this missense variant does not alter protein structure/function; Also known as 1053A>T; This variant is associated with the following publications: (PMID: 31409081, 27376475, 33471991)

ARUP Laboratories, Molecular Genetics and Genomics, ARUP Laboratories
Classification: Likely benign. Last evaluated: 2024-11-25. Review status: criteria provided, single submitter. Criteria: ARUP Molecular Germline Variant Investigation Process 2024. Collection method: clinical testing. Allele origin: germline.

Women's Health and Genetics/Laboratory Corporation of America, LabCorp
Classification: Uncertain significance. Last evaluated: 2024-11-12. Review status: criteria provided, single submitter. Criteria: LabCorp Variant Classification Summary - May 2015. Collection method: clinical testing. Allele origin: germline.
Comment: Variant summary: BRCA2 c.825A>T (p.Lys275Asn) results in a non-conservative amino acid change in the encoded protein sequence. Four of five in-silico tools predict a benign effect of the variant on protein function. The variant allele was found at a frequency of 8.2e-06 in 244196 control chromosomes. The available data on variant occurrences in the general population are insufficient to allow any conclusion about variant significance. c.825A>T has been reported in the literature in individuals affected with Hereditary Breast And Ovarian Cancer and in unaffected controls (example, Machackova_2019, Schenkel_2016, Dorling_2021), however these reports do not provide unequivocal conclusions about association of the variant with Hereditary Breast And Ovarian Cancer Syndrome. At-least one co-occurrence with another pathogenic variant(s) has been reported in the UMD database (BRCA1 c.308insTTTA, p.Asn103IlefsX2), providing supporting evidence for a benign role. To our knowledge, no experimental evidence demonstrating an impact on protein function has been reported. The following publications have been ascertained in the context of this evaluation (PMID: 27376475, 31409081, 33471991). ClinVar contains an entry for this variant (Variation ID: 38147). Based on the evidence outlined above, the variant was classified as uncertain significance.

All of Us Research Program, National Institutes of Health
Classification: Uncertain significance for BRCA2-related cancer predisposition. Last evaluated: 2024-08-06. Review status: criteria provided, single submitter. Criteria: ACMG Guidelines, 2015. Collection method: clinical testing. Allele origin: germline. Inheritance: Autosomal dominant inheritance. Observed: 8 variant alleles, 8 heterozygotes.
Comment: This missense variant replaces lysine with asparagine at codon 275 of the BRCA2 protein. Computational prediction suggests that this variant may not impact protein structure and function (internally defined REVEL score threshold <= 0.5, PMID: 27666373). To our knowledge, functional studies have not been reported for this variant. This variant has been detected in a breast cancer case-control meta-analysis in 1/60463 cases and 2/53461 unaffected individuals (PMID: 33471991; Leiden Open Variation Database DB-ID BRCA2_002328) and in an individual affected with breast or ovarian cancer (PMID: 27376475). This variant also has been reported in 1 individual age 70 years or older without cancer in the FLOSSIES database. This variant has been identified in 2/244196 chromosomes in the general population by the Genome Aggregation Database (gnomAD). The available evidence is insufficient to determine the role of this variant in disease conclusively. Therefore, this variant is classified as a Variant of Uncertain Significance.

This study involves interpretation of variants in research participants for the purpose of population health screening. Participant phenotype was not available at the time of variant classification. Additional details can be found in publication PMID: 35346344, PMCID: PMC8962531

Ambry Genetics
Classification: Likely benign for Hereditary cancer-predisposing syndrome. Last evaluated: 2024-04-04. Review status: criteria provided, single submitter. Criteria: Ambry Variant Classification Scheme 2023. Collection method: clinical testing. Allele origin: germline.

Color Diagnostics, LLC DBA Color Health
Classification: Uncertain significance for Hereditary cancer-predisposing syndrome. Last evaluated: 2024-03-25. Review status: criteria provided, single submitter. Criteria: ACMG Guidelines, 2015. Collection method: clinical testing. Allele origin: germline.
Comment: This missense variant replaces lysine with asparagine at codon 275 of the BRCA2 protein. Computational prediction suggests that this variant may not impact protein structure and function. To our knowledge, functional studies have not been reported for this variant. This variant has been detected in a breast cancer case-control meta-analysis in 1/60463 cases and 2/53461 unaffected individuals (PMID: 33471991; Leiden Open Variation Database DB-ID BRCA2_002328) and in an individual affected with breast or ovarian cancer (PMID: 27376475). This variant also has been reported in 1 individual age 70 years or older without cancer in the FLOSSIES database. This variant has been identified in 2/244196 chromosomes in the general population by the Genome Aggregation Database (gnomAD). The available evidence is insufficient to determine the role of this variant in disease conclusively. Therefore, this variant is classified as a Variant of Uncertain Significance.

Quest Diagnostics Nichols Institute San Juan Capistrano
Classification: Uncertain significance. Last evaluated: 2023-10-03. Review status: criteria provided, single submitter. Criteria: Quest Diagnostics criteria. Collection method: clinical testing. Allele origin: unknown.

University of Washington Department of Laboratory Medicine, University of Washington
Classification: Likely benign for Hereditary cancer-predisposing syndrome. Last evaluated: 2023-03-23. Review status: criteria provided, single submitter. Criteria: Dines et al. (Genet Med. 2020). Collection method: curation. Allele origin: germline.
Comment: Missense variant in a coldspot region where missense variants are very unlikely to be pathogenic (PMID:31911673).

BRCA2 exon 10 coldspot. Reclassification based on statistical prior probability.

Mayo Clinic Laboratories, Mayo Clinic
Classification: Uncertain significance. Last evaluated: 2019-11-14. Review status: criteria provided, single submitter. Criteria: ACMG Guidelines, 2015. Collection method: clinical testing. Allele origin: germline. Observed: 1 variant allele.

Sharing Clinical Reports Project (SCRP)
Classification: Uncertain significance for Breast-ovarian cancer, familial 2. Last evaluated: 2012-05-01. Review status: no assertion criteria provided. Collection method: clinical testing. Allele origin: germline. Not counted in ClinVar's aggregate classification.

Literature cited by the submitters: PubMed 27376475 (cited by 5 submitters); PubMed 31409081 (cited by Women's Health and Genetics/Laboratory Corporation of America, LabCorp and Quest Diagnostics Nichols Institute San Juan Capistrano); PubMed 33471991 (cited by 5 submitters); PubMed 31911673 (cited by Quest Diagnostics Nichols Institute San Juan Capistrano); PubMed 31853058 (cited by Quest Diagnostics Nichols Institute San Juan Capistrano).

NM_000059.4(BRCA2):c.825A>T (p.Lys275Asn)

Gene: BRCA2 (BRCA2 DNA repair associated; plus strand). Cytogenetic location: 13q13.1.
Variant type: single nucleotide variant.
Coding change: c.825A>T on transcript NM_000059.4 (MANE Select); coding-DNA position 825, A replaced by T.
Protein change: p.Lys275Asn; replaces lysine 275 with asparagine.
Molecular consequence: missense variant.
Genome position (GRCh38, 1-based): chr13:32,332,303, A>T. VCF-style: chr13-32332303-A-T. GRCh37 (hg19) VCF-style: chr13-32906440-A-T.
Other names: p.K275N:AAA>AAT; 1053A>T; short protein forms K275N.
Identifiers: ClinVar variation 38147 (VCV000038147.43), dbSNP rs397507399, ClinGen allele CA025544.
Genomic context (GRCh38, chr13:32,332,303, plus strand): 5'-TAATGTGCTTCTGTTTTATACTTTAACAGGATTTGGAAAAACATCAGGGAATTCATTTAA[A>T]GTAAATAGCTGCAAAGACCACATTGGAAAGTCAATGCCAAATGTCCTAGAAGATGAAGTA-3'
Protein context (NP_000050.3, residues 265-285): GFGKTSGNSF[Lys275Asn]VNSCKDHIGK